The following is an entry in ClinVar:

ClinVar aggregate classification (germline): Likely pathogenic. Review status: criteria provided, multiple submitters, no conflicts (2 of 4 stars). 2 submissions from 2 submitters: Likely pathogenic (2). Last evaluated 2025-05-23.

Conditions:
Inborn genetic diseases. Identifiers: MedGen C0950123, MeSH D030342.
Hypercoagulability syndrome due to glycosylphosphatidylinositol deficiency (GPIBD1). Also called: GLYCOSYLPHOSPHATIDYLINOSITOL BIOSYNTHESIS DEFECT 1. Identifiers: Orphanet 83639, MedGen C5201145, MONDO:0012465, OMIM 610293.

Allele frequency attached by ClinVar (database versions not stated): gnomAD exomes 0.00004 and 0.00003; gnomAD below 0.00001 and 0.00001; ExAC 0.00003.

Submissions (2):

First Genomix Gene Laboratory, Genetic Diagnostics Department
Classification: Likely pathogenic for Hypercoagulability syndrome due to glycosylphosphatidylinositol deficiency. Last evaluated: 2025-05-23. Review status: criteria provided, single submitter. Criteria: ACMG Guidelines, 2015. Collection method: clinical testing. Allele origin: germline. Inheritance: Autosomal recessive inheritance. Affected: no. Observed: 1 variant allele.

Ambry Genetics
Classification: Likely pathogenic for Inborn genetic diseases. Last evaluated: 2015-04-01. Review status: criteria provided, single submitter. Criteria: Ambry exome assertion method (8-5-2015). Collection method: clinical testing. Allele origin: germline. Affected: yes. Observed: 1 variant allele.

NM_145167.3(PIGM):c.2T>C (p.Met1Thr)

Gene: PIGM (phosphatidylinositol glycan anchor biosynthesis class M; minus strand). Cytogenetic location: 1q23.2.
Variant type: single nucleotide variant.
Coding change: c.2T>C on transcript NM_145167.3 (MANE Select); coding-DNA position 2, T replaced by C.
Protein change: p.Met1Thr; changes the start codon (methionine 1).
Molecular consequence: missense variant, initiator codon variant.
Genome position (GRCh38, 1-based): chr1:160,031,738, A>G on the plus strand (T>C on the coding strand, the complement: PIGM is on the minus strand). VCF-style: chr1-160031738-A-G. GRCh37 (hg19) VCF-style: chr1-160001528-A-G.
Other names: short protein forms M1T.
Identifiers: ClinVar variation 520658 (VCV000520658.6), dbSNP rs776715594, ClinGen allele CA1193132.